The following is an entry in ClinVar:

ClinVar aggregate classification (germline): Conflicting classifications of pathogenicity. Review status: criteria provided, conflicting classifications (1 of 4 stars). 3 submissions from 3 submitters: Uncertain significance (1); Likely benign (1). 1 of the submissions does not count toward it. Last evaluated 2025-11-10.

Conditions:
ACOX2-related disorder. Also called: ACOX2-related condition.

Allele frequency attached by ClinVar (database versions not stated): gnomAD 0.00020; ESP Exome Variant Server 0.00038; TOPMed 0.00029; ExAC 0.00024; gnomAD exomes 0.00015.
gnomAD v4.1: 259 of 1,614,086 alleles (0.016%); highest among the groups gnomAD compares: Admixed American, 0.025%; no homozygotes.

Submissions (3):

Labcorp Genetics (formerly Invitae), Labcorp
Classification: Likely benign. Last evaluated: 2025-11-10. Review status: criteria provided, single submitter. Criteria: Invitae Variant Classification Sherloc (09022015). Collection method: clinical testing. Allele origin: germline.

Ambry Genetics
Classification: Uncertain significance. Last evaluated: 2022-06-21. Review status: criteria provided, single submitter. Criteria: Ambry Variant Classification Scheme 2023. Collection method: clinical testing. Allele origin: germline.

PreventionGenetics, part of Exact Sciences
Classification: Likely benign for ACOX2-related condition. Last evaluated: 2022-02-21. Review status: no assertion criteria provided. Collection method: clinical testing. Allele origin: germline. Not counted in ClinVar's aggregate classification.
Comment: This variant is classified as likely benign based on ACMG/AMP sequence variant interpretation guidelines (Richards et al. 2015 PMID: 25741868, with internal and published modifications).

NM_003500.4(ACOX2):c.632C>T (p.Ser211Leu)

Gene: ACOX2 (acyl-CoA oxidase 2; minus strand). Cytogenetic location: 3p14.3.
Variant type: single nucleotide variant.
Coding change: c.632C>T on transcript NM_003500.4 (MANE Select); coding-DNA position 632, C replaced by T.
Protein change: p.Ser211Leu; replaces serine 211 with leucine.
Molecular consequence: missense variant.
Genome position (GRCh38, 1-based): chr3:58,531,764, G>A on the plus strand (C>T on the coding strand, the complement: ACOX2 is on the minus strand). VCF-style: chr3-58531764-G-A. GRCh37 (hg19) VCF-style: chr3-58517491-G-A.
Other names: short protein forms S211L.
Identifiers: ClinVar variation 2377259 (VCV002377259.6), dbSNP rs148493303, ClinGen allele CA2472334.